The following is an entry in ClinVar:

ClinVar aggregate classification (germline): Likely benign (1 of 4 stars; one submission).

Conditions:
MELAS syndrome (MELAS). Also called: Juvenile myopathy, encephalopathy, lactic acidosis, stroke. Identifiers: Orphanet 550, MedGen C0162671, MONDO:0010789, OMIM 540000.

Submission:

Wong Mito Lab, Molecular and Human Genetics, Baylor College of Medicine
Classification: Likely benign for MELAS syndrome. Last evaluated: 2019-07-12. Review status: criteria provided, single submitter. Criteria: Modified ACMG Guidelines (Unpublished). Collection method: clinical testing. Allele origin: germline.
Comment: The NC_012920.1:m.14691C>T variant in MT-TE gene is interpreted to be a Likely Benign variant based on the modified ACMG guidelines (unpublished). This variant meets the following evidence codes reported in the guidelines: BS4, BP4, BP6

Literature cited by the submitters: PubMed 31965079.

NC_012920.1(MT-TE):m.14691C>T

Gene: MT-TE (mitochondrially encoded tRNA glutamic acid; minus strand).
Variant type: single nucleotide variant.
Genome position: chrM-14691-C-T.
Identifiers: ClinVar variation 690203 (VCV000690203.1), dbSNP rs1556424478, ClinGen allele CA913171829.